The following is an entry in ClinVar:

ClinVar aggregate classification (germline): Pathogenic (1 of 4 stars; one submission).

Conditions:
Glucose-6-phosphate transport defect (GSD1B). Also called: Glycogen Storage Disease Type Ib; GSD Ib. Identifiers: Orphanet 364, Orphanet 79259, MedGen C0268146, MONDO:0009288, OMIM 232220.

Submission:

Women's Health and Genetics/Laboratory Corporation of America, LabCorp
Classification: Pathogenic for Glucose-6-phosphate transport defect. Last evaluated: 2020-09-14. Review status: criteria provided, single submitter. Criteria: LabCorp Variant Classification Summary - May 2015. Collection method: clinical testing. Allele origin: germline.
Comment: Variant summary: SLC37A4 c.148+1G>T is located in a canonical splice-site and is predicted to affect mRNA splicing resulting in a significantly altered protein due to either exon skipping, shortening, or inclusion of intronic material. Several computational tools predict a significant impact on normal splicing: Four predict the variant abolishes a 5 splicing donor site. Experimental evidence supports these predictions revealing the variant causes a 170-bp deletion of nucleotides, following RT-PCR and sequencing analysis (Janecke_1999). The variant was absent in 247574 control chromosomes (gnomAD). c.148+1G>T has been reported in the literature in the homozygous state in individuals affected with Glycogen Storage Disease Type Ib (Janecke_1999, Janecke_2000, Santer_2000). These data indicate that the variant is likely to be associated with disease. Experimental evidence demonstrated the variant causes reduced/absent enzyme activity (Janecke_1999). No clinical diagnostic laboratories have submitted clinical-significance assessments for this variant to ClinVar after 2014. Based on the evidence outlined above, the variant was classified as pathogenic.

Literature cited by the submitters: PubMed 10323254; PubMed 10923042; PubMed 11071391.

NM_001164277.2(SLC37A4):c.148+1G>T

Gene: SLC37A4 (solute carrier family 37 member 4; minus strand). Cytogenetic location: 11q23.3.
Variant type: single nucleotide variant.
Coding change: c.148+1G>T on transcript NM_001164277.2 (MANE Select); the canonical splice donor site of the intron after coding-DNA position 148, G replaced by T.
Molecular consequence: splice donor variant. On other transcripts: intron variant (1).
Genome position (GRCh38, 1-based): chr11:119,029,221, C>A on the plus strand (G>T on the coding strand, the complement: SLC37A4 is on the minus strand). VCF-style: chr11-119029221-C-A. GRCh37 (hg19) VCF-style: chr11-118899931-C-A.
Other names: c.-172+171G>T (NM_001164279.2); c.148+1G>T (NM_001467.6, NM_001164278.2, NM_001164280.2).
Identifiers: ClinVar variation 981113 (VCV000981113.1), dbSNP rs1943672400, ClinGen allele CA382907834.